The following is an entry in ClinVar:

ClinVar aggregate classification (germline): Likely benign. Review status: criteria provided, multiple submitters, no conflicts (2 of 4 stars). 2 submissions from 2 submitters: Likely benign (2). Last evaluated 2026-07-01.

Conditions:
Exostoses, multiple, type 2 (EXT2). Also called: EXOSTOSES, MULTIPLE, TYPE II; Hereditary Multiple Osteochondromatosis, Type II. Identifiers: Orphanet 321, MedGen C1851413, MONDO:0007586, OMIM 133701.

Allele frequency attached by ClinVar (database versions not stated): gnomAD exomes below 0.00001 and 0.00001; gnomAD 0.00001 and 0.00002; TOPMed 0.00002.

Submissions (2):

CeGaT Center for Human Genetics Tuebingen
Classification: Likely benign. Last evaluated: 2026-07-01. Review status: criteria provided, single submitter. Criteria: CeGaT Center For Human Genetics Tuebingen Variant Classification Criteria Version 2. Collection method: clinical testing. Allele origin: germline. Affected: yes. Observed: 1 variant allele.
Comment: EXT2: BP4, BP7

Labcorp Genetics (formerly Invitae), Labcorp
Classification: Likely benign for Exostoses, multiple, type 2. Last evaluated: 2025-05-12. Review status: criteria provided, single submitter. Criteria: Invitae Variant Classification Sherloc (09022015). Collection method: clinical testing. Allele origin: germline.

NM_207122.2(EXT2):c.1389C>T (p.Tyr463=)

Genes: EXT2 (exostosin glycosyltransferase 2; plus strand), LOC126861201 (MED14-independent group 3 enhancer GRCh37_chr11:44218806-44220005; plus strand). Cytogenetic location: 11p11.2.
Variant type: single nucleotide variant.
Coding change: c.1389C>T on transcript NM_207122.2 (MANE Select); coding-DNA position 1389, C replaced by T.
Protein change: p.Tyr463=; no amino-acid change (tyrosine 463 retained).
Molecular consequence: synonymous variant.
Genome position (GRCh38, 1-based): chr11:44,197,912, C>T. VCF-style: chr11-44197912-C-T. GRCh37 (hg19) VCF-style: chr11-44219462-C-T.
Other names: c.1488C>T, p.Tyr496= (NM_000401.3); c.1419C>T, p.Tyr473= (NM_001178083.3); c.1389C>T, p.Tyr463= (NM_001389628.1, NM_001389630.1).
Identifiers: ClinVar variation 1535443 (VCV001535443.9), dbSNP rs1166915261, ClinGen allele CA473824162.